The following is an entry in ClinVar:

NM_000070.3(CAPN3):c.1662C>G (p.Tyr554Ter)

Gene: CAPN3 (calpain 3; plus strand). Cytogenetic location: 15q15.1.
Variant type: single nucleotide variant.
Coding change: c.1662C>G on transcript NM_000070.3 (MANE Select); coding-DNA position 1662, C replaced by G.
Protein change: p.Tyr554Ter; replaces tyrosine 554 with a stop codon.
Molecular consequence: nonsense.
Genome position (GRCh38, 1-based): chr15:42,402,919, C>G. VCF-style: chr15-42402919-C-G. GRCh37 (hg19) VCF-style: chr15-42695117-C-G.
Other names: c.1662C>G, p.Tyr554Ter (NM_024344.2); c.1518C>G, p.Tyr506Ter (NM_173087.2); c.126C>G, p.Tyr42Ter (NM_173088.2); short protein forms Y554*, Y506*, Y42*.
Identifiers: ClinVar variation 290348 (VCV000290348.7), dbSNP rs752848213, ClinGen allele CA10606744.

ClinVar aggregate classification (germline): Pathogenic. Review status: criteria provided, multiple submitters, no conflicts (2 of 4 stars). 2 submissions from 2 submitters: Pathogenic (2). Last evaluated 2019-08-28.

Conditions:
Autosomal recessive limb-girdle muscular dystrophy type 2A (LGMDR1). Also called: LEYDEN-MOEBIUS MUSCULAR DYSTROPHY; MUSCULAR DYSTROPHY, PELVOFEMORAL; Limb-girdle muscular dystrophy, type 2A; Calpainopathy; Muscular dystrophy, limb-girdle, type 2A, Amish. Identifiers: Orphanet 267, MedGen C1869123, MONDO:0009675, OMIM 253600. Disease mechanism: loss of function.

Submissions (2):

Labcorp Genetics (formerly Invitae), Labcorp
Classification: Pathogenic for Limb-girdle muscular dystrophy, type 2A. Last evaluated: 2019-08-28. Review status: criteria provided, single submitter. Criteria: Invitae Variant Classification Sherloc (09022015). Collection method: clinical testing. Allele origin: germline.
Comment: This sequence change creates a premature translational stop signal (p.Tyr554*) in the CAPN3 gene. It is expected to result in an absent or disrupted protein product. This variant is not present in population databases (ExAC no frequency). This variant has been observed in an individual affected with limb-girdle muscular dystrophy (PMID: 17994539). ClinVar contains an entry for this variant (Variation ID: 290348). Loss-of-function variants in CAPN3 are known to be pathogenic (PMID: 10330340, 15689361). For these reasons, this variant has been classified as Pathogenic.

Eurofins Ntd Llc (ga)
Classification: Pathogenic. Last evaluated: 2016-08-22. Review status: criteria provided, single submitter. Criteria: EGL Classification Definitions 2015. Collection method: clinical testing. Allele origin: germline. Observed: 2 variant alleles, 2 heterozygotes.

Literature cited by the submitters: PubMed 17994539 (cited by Labcorp Genetics (formerly Invitae), Labcorp).